The following is an entry in ClinVar:

ClinVar aggregate classification (germline): Uncertain significance (1 of 4 stars; one submission).

Conditions:
DK1-congenital disorder of glycosylation. Also called: CONGENITAL DISORDER OF GLYCOSYLATION, TYPE Im; DK1 DEFICIENCY; DOLICHOL KINASE DEFICIENCY; DK1-CDG; DOLK-congenital disorder of glycosylation; Carbohydrate deficient glycoprotein syndrome type 1m. Identifiers: Orphanet 91131, MedGen C1835849, MONDO:0012556, OMIM 610768.

Allele frequency attached by ClinVar (database versions not stated): gnomAD 0.00001; TOPMed 0.00001.

Submission:

Labcorp Genetics (formerly Invitae), Labcorp
Classification: Uncertain significance for DK1-congenital disorder of glycosylation. Last evaluated: 2022-03-09. Review status: criteria provided, single submitter. Criteria: Invitae Variant Classification Sherloc (09022015). Collection method: clinical testing. Allele origin: germline.
Comment: In summary, the available evidence is currently insufficient to determine the role of this variant in disease. Therefore, it has been classified as a Variant of Uncertain Significance. Algorithms developed to predict the effect of missense changes on protein structure and function (SIFT, PolyPhen-2, Align-GVGD) all suggest that this variant is likely to be tolerated. This sequence change replaces arginine, which is basic and polar, with glutamine, which is neutral and polar, at codon 41 of the DOLK protein (p.Arg41Gln). This variant is not present in population databases (gnomAD no frequency). This variant has not been reported in the literature in individuals affected with DOLK-related conditions. ClinVar contains an entry for this variant (Variation ID: 1025221).

NM_014908.4(DOLK):c.122G>A (p.Arg41Gln)

Gene: DOLK (dolichol kinase; minus strand). Cytogenetic location: 9q34.11.
Variant type: single nucleotide variant.
Coding change: c.122G>A on transcript NM_014908.4 (MANE Select); coding-DNA position 122, G replaced by A.
Protein change: p.Arg41Gln; replaces arginine 41 with glutamine.
Molecular consequence: missense variant.
Genome position (GRCh38, 1-based): chr9:128,947,182, C>T on the plus strand (G>A on the coding strand, the complement: DOLK is on the minus strand). VCF-style: chr9-128947182-C-T. GRCh37 (hg19) VCF-style: chr9-131709461-C-T.
Other names: short protein forms R41Q.
Identifiers: ClinVar variation 1025221 (VCV001025221.9), dbSNP rs1841688531, ClinGen allele CA375128312.